The following is an entry in ClinVar:

ClinVar aggregate classification (germline): Uncertain significance (1 of 4 stars; one submission).

Submission:

Labcorp Genetics (formerly Invitae), Labcorp
Classification: Uncertain significance. Last evaluated: 2024-12-12. Review status: criteria provided, single submitter. Criteria: Invitae Variant Classification Sherloc (09022015). Collection method: clinical testing. Allele origin: germline.
Comment: This sequence change replaces proline, which is neutral and non-polar, with serine, which is neutral and polar, at codon 8 of the PTPN23 protein (p.Pro8Ser). This variant is not present in population databases (gnomAD no frequency). This variant has not been reported in the literature in individuals affected with PTPN23-related conditions. Experimental studies and prediction algorithms are not available or were not evaluated, and the functional significance of this variant is currently unknown. In summary, the available evidence is currently insufficient to determine the role of this variant in disease. Therefore, it has been classified as a Variant of Uncertain Significance.

NM_015466.4(PTPN23):c.22C>T (p.Pro8Ser)

Genes: PTPN23 (protein tyrosine phosphatase non-receptor type 23; plus strand), PTPN23-DT (PTPN23 divergent transcript; minus strand). Cytogenetic location: 3p21.31.
Variant type: single nucleotide variant.
Coding change: c.22C>T on transcript NM_015466.4 (MANE Select); coding-DNA position 22, C replaced by T.
Protein change: p.Pro8Ser; replaces proline 8 with serine.
Molecular consequence: missense variant. On other transcripts: non-coding transcript variant (1), 5 prime UTR variant (1).
Genome position (GRCh38, 1-based): chr3:47,381,118, C>T. VCF-style: chr3-47381118-C-T. GRCh37 (hg19) VCF-style: chr3-47422608-C-T.
Other names: c.-229C>T (NM_001304482.2); short protein forms P8S.
Identifiers: ClinVar variation 3726725 (VCV003726725.1).